The following is an entry in ClinVar:

NM_001271.4(CHD2):c.4137+3A>T

Gene: CHD2 (chromodomain helicase DNA binding protein 2; plus strand). Cytogenetic location: 15q26.1.
Variant type: single nucleotide variant.
Coding change: c.4137+3A>T on transcript NM_001271.4 (MANE Select); 3 bases into the intron after coding-DNA position 4137, A replaced by T.
Molecular consequence: intron variant.
Genome position (GRCh38, 1-based): chr15:93,000,643, A>T. VCF-style: chr15-93000643-A-T. GRCh37 (hg19) VCF-style: chr15-93543873-A-T.
Identifiers: ClinVar variation 420993 (VCV000420993.2), dbSNP rs1064794837, ClinGen allele CA16620055.
Genomic context (GRCh38, chr15:93,000,643, plus strand): 5'-AATTGAGCTTTCATCTCCTAGGCATTCAGATAATCCATCAGAAGAGGGAGAAGTGAAAGT[A>T]TGAAGTGGGGTTTCGGTTGAGGGTTATTTATTTATTTTAGCTATACTTATCATGCCAGCT-3'

ClinVar aggregate classification (germline): Likely pathogenic (1 of 4 stars; one submission).

Submission:

GeneDx
Classification: Likely pathogenic. Last evaluated: 2016-04-20. Review status: criteria provided, single submitter. Criteria: GeneDx Variant Classification (06012015). Collection method: clinical testing. Allele origin: germline. Affected: yes.
Comment: The c.4137+3 A>T variant in the CHD2 gene has not been reported previously as a pathogenic variant nor as a benign variant, to our knowledge. This variant reduces the quality of the splice donor site in intron 32, and is expected to cause abnormal gene splicing. The c.4137+3 A>T variant was not observed in approximately 6500 individuals of European and African American ancestry in the NHLBI Exome Sequencing Project, indicating it is not a common benign variant in these populations. The c.4137+3 A>T variant is a strong candidate for a pathogenic variant.